The following is an entry in ClinVar:

ClinVar aggregate classification (germline): Likely pathogenic (1 of 4 stars; one submission).

Conditions:
Dilated cardiomyopathy 1G (CMD1G). Identifiers: Orphanet 154, MedGen C1858763, MONDO:0011400, OMIM 604145.
Autosomal recessive limb-girdle muscular dystrophy type 2J (LGMDR10). Also called: MUSCULAR DYSTROPHY, LIMB-GIRDLE, AUTOSOMAL RECESSIVE 10; Limb-girdle muscular dystrophy, type 2J. Identifiers: Orphanet 140922, MedGen C1837342, MONDO:0012127, OMIM 608807.

Submission:

Labcorp Genetics (formerly Invitae), Labcorp
Classification: Likely pathogenic for Dilated cardiomyopathy 1G; Autosomal recessive limb-girdle muscular dystrophy type 2J. Last evaluated: 2023-01-21. Review status: criteria provided, single submitter. Criteria: Invitae Variant Classification Sherloc (09022015). Collection method: clinical testing. Allele origin: germline.
Comment: This variant is not present in population databases (gnomAD no frequency). In summary, the currently available evidence indicates that the variant is pathogenic, but additional data are needed to prove that conclusively. Therefore, this variant has been classified as Likely Pathogenic. This variant is located in the A band of TTN (PMID: 25589632). Truncating variants in this region are significantly overrepresented in patients affected with dilated cardiomyopathy (PMID: 25589632). Truncating variants in this region have also been reported in individuals affected with autosomal recessive centronuclear myopathy (PMID: 23975875). This variant has not been reported in the literature in individuals affected with TTN-related conditions. This sequence change creates a premature translational stop signal (p.Cys18684*) in the TTN gene. While this is not anticipated to result in nonsense mediated decay, it is expected to create a truncated TTN protein.

Literature cited by the submitters: PubMed 25589632; PubMed 23975875.

NM_001267550.2(TTN):c.56052C>A (p.Cys18684Ter)

Genes: TTN (titin; minus strand), TTN-AS1 (TTN antisense RNA 1; plus strand). Cytogenetic location: 2q31.2.
Variant type: single nucleotide variant.
Coding change: c.56052C>A on transcript NM_001267550.2 (MANE Select); coding-DNA position 56052, C replaced by A.
Protein change: p.Cys18684Ter; replaces cysteine 18684 with a stop codon.
Molecular consequence: nonsense.
Genome position (GRCh38, 1-based): chr2:178,599,849, G>T on the plus strand (C>A on the coding strand, the complement: TTN is on the minus strand). VCF-style: chr2-178599849-G-T. GRCh37 (hg19) VCF-style: chr2-179464576-G-T.
Other names: c.51129C>A, p.Cys17043Ter (NM_001256850.1); c.28857C>A, p.Cys9619Ter (NM_003319.4); c.48348C>A, p.Cys16116Ter (NM_133378.4); c.29232C>A, p.Cys9744Ter (NM_133432.3); c.29433C>A, p.Cys9811Ter (NM_133437.4); short protein forms C9744*, C9811*, C17043*, C16116*, C9619*, C18684*.
Identifiers: ClinVar variation 2943483 (VCV002943483.3), dbSNP rs868477630, ClinGen allele CA60976857.